The following is an entry in ClinVar:

NM_001372076.1(PAX9):c.844_845insTTGC (p.Gln282fs)

Gene: PAX9 (paired box 9; plus strand). Cytogenetic location: 14q13.3.
Variant type: Insertion.
Coding change: c.844_845insTTGC on transcript NM_001372076.1 (MANE Select); coding-DNA positions 844 to 845, TTGC inserted.
Protein change: p.Gln282fs; shifts the reading frame from glutamine 282.
Molecular consequence: frameshift variant.
Genome position: GRCh38 VCF-style: chr14-36676269-C-CCTTG. GRCh37 (hg19) VCF-style: chr14-37145474-C-CCTTG.
Other names: c.844_845insTTGC, p.Gln282fs (NM_006194.4); short protein forms Q282fs.
Identifiers: ClinVar variation 1360368 (VCV001360368.8), dbSNP rs2139123055, ClinGen allele CA2573149922.

ClinVar aggregate classification (germline): Uncertain significance (1 of 4 stars; one submission).

Conditions:
Hypodontia. Also called: Partial congenital absence of teeth; TOOTH AGENESIS, FAMILIAL; Tooth agenesis, selective. Identifiers: Orphanet 99798, MedGen C0020608, MONDO:0005486, HP:0000668. Disease mechanism: loss of function.

Submission:

Labcorp Genetics (formerly Invitae), Labcorp
Classification: Uncertain significance for Hypodontia. Last evaluated: 2021-06-12. Review status: criteria provided, single submitter. Criteria: Invitae Variant Classification Sherloc (09022015). Collection method: clinical testing. Allele origin: germline.
Comment: This sequence change creates a premature translational stop signal (p.Gln282Leufs*36) in the PAX9 gene. While this is not anticipated to result in nonsense mediated decay, it is expected to disrupt the last 60 amino acid(s) of the PAX9 protein. This variant is not present in population databases (ExAC no frequency). This variant has been observed in individual(s) with oligodontia (Invitae). Experimental studies and prediction algorithms are not available or were not evaluated, and the functional significance of this variant is currently unknown. In summary, the available evidence is currently insufficient to determine the role of this variant in disease. Therefore, it has been classified as a Variant of Uncertain Significance.